The following is an entry in ClinVar:

ClinVar aggregate classification (germline): Uncertain significance (1 of 4 stars; one submission).

Conditions:
LRP1-related disorder. Also called: LRP1-related condition.

Submission:

PreventionGenetics, part of Exact Sciences
Classification: Uncertain significance for LRP1-related condition. Last evaluated: 2023-07-18. Review status: criteria provided, single submitter. Criteria: ACMG Guidelines, 2015. Collection method: clinical testing. Allele origin: germline.
Comment: The LRP1 c.3085C>T variant is predicted to result in the amino acid substitution p.Pro1029Ser. To our knowledge, this variant has not been reported in the literature or in a large population database, indicating this variant is rare. At this time, the clinical significance of this variant is uncertain due to the absence of conclusive functional and genetic evidence.

NM_002332.3(LRP1):c.3085C>T (p.Pro1029Ser)

Gene: LRP1 (LDL receptor related protein 1; plus strand). Cytogenetic location: 12q13.3.
Variant type: single nucleotide variant.
Coding change: c.3085C>T on transcript NM_002332.3 (MANE Select); coding-DNA position 3085, C replaced by T.
Protein change: p.Pro1029Ser; replaces proline 1029 with serine.
Molecular consequence: missense variant.
Genome position (GRCh38, 1-based): chr12:57,169,229, C>T. VCF-style: chr12-57169229-C-T. GRCh37 (hg19) VCF-style: chr12-57563012-C-T.
Other names: short protein forms P1029S.
Identifiers: ClinVar variation 2629216 (VCV002629216.1), dbSNP rs2548066269, ClinGen allele CA385405509.